The following is an entry in ClinVar:

ClinVar aggregate classification (germline): Benign. Review status: criteria provided, single submitter (1 of 4 stars). 2 submissions from 2 submitters: Benign (1). 1 of the submissions does not count toward it. Last evaluated 2026-08-07.

Conditions:
POLQ-related disorder. Also called: POLQ-related condition.
Familial cancer of breast. Also called: Hereditary breast cancer; hereditary breast carcinoma; BREAST CANCER, FAMILIAL. Identifiers: Orphanet 227535, MedGen C0346153, MONDO:0016419, OMIM 114480. Disease mechanism: loss of function.

Allele frequency attached by ClinVar (database versions not stated): ESP Exome Variant Server 0.02340; gnomAD 0.03748; 1000 Genomes Project 0.03874; 1000 Genomes Project 30x 0.04076; TOPMed 0.04598; ExAC 0.04850.
gnomAD v4.1: 50,863 of 1,573,730 alleles (3.2%); highest among the groups gnomAD compares: Admixed American, 22%; 2,121 homozygotes.

Submissions (8):

Genomic Medicine Laboratory, Hospital de Clinicas de Porto Alegre
Classification: Benign for Familial cancer of breast. Last evaluated: 2026-08-07. Review status: criteria provided, single submitter. Criteria: ACGS UK Practice Guidelines For Variant Classification V12 2024. Collection method: research. Allele origin: germline. Affected: yes. Observed: 2 variant alleles.
Comment: BA1: Allele frequency is above 5%

PreventionGenetics, part of Exact Sciences
Classification: Benign for POLQ-related condition. Last evaluated: 2019-07-08. Review status: no assertion criteria provided. Collection method: clinical testing. Allele origin: germline. Not counted in ClinVar's aggregate classification.
Comment: This variant is classified as benign based on ACMG/AMP sequence variant interpretation guidelines (Richards et al. 2015 PMID: 25741868, with internal and published modifications).

Dr. Peter K. Rogan Lab, Western University
No classification provided (evidence only). Condition: Lung cancer. Review status: no classification provided. Collection method: in vitro. Allele origin: not applicable. Functional consequence: retained intron. Not counted in ClinVar's aggregate classification.

Dr. Peter K. Rogan Lab, Western University
No classification provided (evidence only). Condition: Lung cancer. Review status: no classification provided. Collection method: in vitro. Allele origin: not applicable. Functional consequence: retained intron. Not counted in ClinVar's aggregate classification.

Dr. Peter K. Rogan Lab, Western University
No classification provided (evidence only). Condition: Acute myeloid leukemia. Review status: no classification provided. Collection method: in vitro. Allele origin: not applicable. Functional consequence: retained intron. Not counted in ClinVar's aggregate classification.

Dr. Peter K. Rogan Lab, Western University
No classification provided (evidence only). Condition: Sarcoma. Review status: no classification provided. Collection method: in vitro. Allele origin: not applicable. Functional consequence: retained intron. Not counted in ClinVar's aggregate classification.

Dr. Peter K. Rogan Lab, Western University
No classification provided (evidence only). Condition: Thymoma. Review status: no classification provided. Collection method: in vitro. Allele origin: not applicable. Functional consequence: retained intron. Not counted in ClinVar's aggregate classification.

Dr. Peter K. Rogan Lab, Western University
No classification provided (evidence only). Condition: Uterine carcinosarcoma. Review status: no classification provided. Collection method: in vitro. Allele origin: not applicable. Functional consequence: retained intron. Not counted in ClinVar's aggregate classification.

NM_199420.4(POLQ):c.2884A>G (p.Ser962Gly)

Gene: POLQ (DNA polymerase theta; minus strand). Cytogenetic location: 3q13.33.
Variant type: single nucleotide variant.
Coding change: c.2884A>G on transcript NM_199420.4 (MANE Select); coding-DNA position 2884, A replaced by G.
Protein change: p.Ser962Gly; replaces serine 962 with glycine.
Molecular consequence: missense variant.
Genome position (GRCh38, 1-based): chr3:121,490,047, T>C on the plus strand (A>G on the coding strand, the complement: POLQ is on the minus strand). VCF-style: chr3-121490047-T-C. GRCh37 (hg19) VCF-style: chr3-121208894-T-C.
Other names: NC_000003.11:g.121208894T>C; short protein forms S962G.
Identifiers: ClinVar variation 3059934 (VCV003059934.4), dbSNP rs3218636, ClinGen allele CA2563167.